The following is an entry in ClinVar:

ClinVar aggregate classification (germline): Uncertain significance (1 of 4 stars; one submission).

Conditions:
Muscular dystrophy-dystroglycanopathy (congenital with brain and eye anomalies), type A9. Also called: WALKER-WARBURG SYNDROME OR MUSCLE-EYE BRAIN DISEASE, DAG1-RELATED; Muscular dystrophy-dystroglycanopathy (congenital with brain and eye anomalies), type a, 9. Identifiers: Orphanet 370997, Orphanet 899, MedGen C4225291, MONDO:0014683, OMIM 616538.
Autosomal recessive limb-girdle muscular dystrophy type 2P. Also called: MUSCULAR DYSTROPHY-DYSTROGLYCANOPATHY, LIMB-GIRDLE, DAG1-RELATED; MUSCULAR DYSTROPHY, LIMB-GIRDLE, TYPE 2P; Limb-Girdle Muscular Dystrophy Type 9C. Identifiers: Orphanet 280333, MedGen C4511963, MONDO:0013440, OMIM 613818.

Allele frequency attached by ClinVar (database versions not stated): gnomAD 0.00001; gnomAD exomes below 0.00001; TOPMed 0.00001.
gnomAD v4.1: 1 of 1,613,950 alleles (0.000062%); no homozygotes.

Submission:

Labcorp Genetics (formerly Invitae), Labcorp
Classification: Uncertain significance for Autosomal recessive limb-girdle muscular dystrophy type 2P; Muscular dystrophy-dystroglycanopathy (congenital with brain and eye anomalies), type A9. Last evaluated: 2025-02-24. Review status: criteria provided, single submitter. Criteria: Invitae Variant Classification Sherloc (09022015). Collection method: clinical testing. Allele origin: germline.
Comment: This sequence change replaces proline, which is neutral and non-polar, with leucine, which is neutral and non-polar, at codon 453 of the DAG1 protein (p.Pro453Leu). This variant is present in population databases (no rsID available, gnomAD no frequency). This variant has not been reported in the literature in individuals affected with DAG1-related conditions. ClinVar contains an entry for this variant (Variation ID: 1449082). Invitae Evidence Modeling of protein sequence and biophysical properties (such as structural, functional, and spatial information, amino acid conservation, physicochemical variation, residue mobility, and thermodynamic stability) indicates that this missense variant is not expected to disrupt DAG1 protein function with a negative predictive value of 80%. In summary, the available evidence is currently insufficient to determine the role of this variant in disease. Therefore, it has been classified as a Variant of Uncertain Significance.

NM_004393.6(DAG1):c.1358C>T (p.Pro453Leu)

Gene: DAG1 (dystroglycan 1; plus strand). Cytogenetic location: 3p21.31.
Variant type: single nucleotide variant.
Coding change: c.1358C>T on transcript NM_004393.6 (MANE Select); coding-DNA position 1358, C replaced by T.
Protein change: p.Pro453Leu; replaces proline 453 with leucine.
Molecular consequence: missense variant.
Genome position (GRCh38, 1-based): chr3:49,531,869, C>T. VCF-style: chr3-49531869-C-T. GRCh37 (hg19) VCF-style: chr3-49569302-C-T.
Other names: c.1358C>T, p.Pro453Leu (NM_001165928.4, NM_001177634.3, NM_001177635.3 and 9 more transcripts); short protein forms P453L.
Identifiers: ClinVar variation 1449082 (VCV001449082.8), dbSNP rs888121881, ClinGen allele CA74522201.